The following is an entry in ClinVar:

ClinVar aggregate classification (germline): Pathogenic (1 of 4 stars; one submission).

Conditions:
Cockayne spectrum with or without cerebrooculofacioskeletal syndrome. Identifiers: MedGen CN315928, MONDO:0100506.

gnomAD v4.1: 2 of 1,613,228 alleles (0.00012%); highest among the groups gnomAD compares: Non-Finnish European, 0.00017%; no homozygotes.

Submission:

Myriad Genetics, Inc.
Classification: Pathogenic for Cockayne spectrum with or without cerebrooculofacioskeletal syndrome. Last evaluated: 2023-11-05. Review status: criteria provided, single submitter. Criteria: Myriad Autosomal Dominant, Autosomal Recessive and X-Linked Classification Criteria (2023). Collection method: clinical testing. Allele origin: unknown.
Comment: NM_000124.2(ERCC6):c.1420C>T(Q474*) is expected to be pathogenic in the context of ERCC6-related disorders. This variant is predicted to lead to an abnormal or absent protein product due to the creation of a premature termination codon in ERCC6, a gene where loss-of-function variants are known to be pathogenic. Please note: this variant was assessed in the context of healthy population screening.

NM_000124.4(ERCC6):c.1420C>T (p.Gln474Ter)

Gene: ERCC6 (ERCC excision repair 6, chromatin remodeling factor; minus strand). Cytogenetic location: 10q11.23.
Variant type: single nucleotide variant.
Coding change: c.1420C>T on transcript NM_000124.4 (MANE Select); coding-DNA position 1420, C replaced by T.
Protein change: p.Gln474Ter; replaces glutamine 474 with a stop codon.
Molecular consequence: nonsense.
Genome position (GRCh38, 1-based): chr10:49,505,990, G>A on the plus strand (C>T on the coding strand, the complement: ERCC6 is on the minus strand). VCF-style: chr10-49505990-G-A. GRCh37 (hg19) VCF-style: chr10-50714036-G-A.
Other names: c.1420C>T, p.Gln474Ter (NM_001346440.2); short protein forms Q474*.
Identifiers: ClinVar variation 5012464 (VCV005012464.1).